The following is an entry in ClinVar:

NM_005204.4(MAP3K8):c.1367A>G (p.Asn456Ser)

Gene: MAP3K8 (mitogen-activated protein kinase kinase kinase 8; plus strand). Cytogenetic location: 10p11.23.
Variant type: single nucleotide variant.
Coding change: c.1367A>G on transcript NM_005204.4 (MANE Select); coding-DNA position 1367, A replaced by G.
Protein change: p.Asn456Ser; replaces asparagine 456 with serine.
Molecular consequence: missense variant.
Genome position (GRCh38, 1-based): chr10:30,460,799, A>G. VCF-style: chr10-30460799-A-G. GRCh37 (hg19) VCF-style: chr10-30749728-A-G.
Other names: c.1367A>G, p.Asn456Ser (NM_001244134.1, NM_001320961.2); short protein forms N456S.
Identifiers: ClinVar variation 1395648 (VCV001395648.9), dbSNP rs376945200, ClinGen allele CA5459935.
Genomic context (GRCh38, chr10:30,460,799, plus strand): 5'-AGATGCTCAAGAGGCAACGCTCTCTCTACATCGACCTCGGCGCTCTGGCTGGCTACTTCA[A>G]TCTTGTTCGGGGACCACCAACGCTTGAATATGGCTGAAGGATGCCATGTTTGCTCTAAAT-3'
Protein context (NP_005195.2, residues 446-466): IDLGALAGYF[Asn456Ser]LVRGPPTLEY

ClinVar aggregate classification (germline): Conflicting classifications of pathogenicity. Review status: criteria provided, conflicting classifications (1 of 4 stars). 2 submissions from 2 submitters: Uncertain significance (1); Likely benign (1). Last evaluated 2025-11-05.

Allele frequency attached by ClinVar (database versions not stated): ExAC 0.00008; ESP Exome Variant Server 0.00008; gnomAD exomes 0.00008 and 0.00009; gnomAD 0.00009; TOPMed 0.00009; 1000 Genomes Project 30x 0.00016; 1000 Genomes Project 0.00020.
gnomAD v4.1: 156 of 1,613,992 alleles (0.0097%); highest among the groups gnomAD compares: Middle Eastern, 0.066%; no homozygotes.

Submissions (2):

Labcorp Genetics (formerly Invitae), Labcorp
Classification: Uncertain significance. Last evaluated: 2025-11-05. Review status: criteria provided, single submitter. Criteria: Invitae Variant Classification Sherloc (09022015). Collection method: clinical testing. Allele origin: germline.
Comment: This sequence change replaces asparagine, which is neutral and polar, with serine, which is neutral and polar, at codon 456 of the MAP3K8 protein (p.Asn456Ser). The frequency data for this variant in the population databases is considered unreliable, as metrics indicate poor data quality at this position in the gnomAD database. This variant has not been reported in the literature in individuals affected with MAP3K8-related conditions. ClinVar contains an entry for this variant (Variation ID: 1395648). An algorithm developed to predict the effect of missense changes on protein structure and function (PolyPhen-2) suggests that this variant is likely to be disruptive. In summary, the available evidence is currently insufficient to determine the role of this variant in disease. Therefore, it has been classified as a Variant of Uncertain Significance.

Blueprint Genetics
Classification: Likely benign. Last evaluated: 2024-11-21. Review status: criteria provided, single submitter. Criteria: ACMG Guidelines, 2015. Collection method: clinical testing. Allele origin: germline.